The following is an entry in ClinVar:

NM_032608.7(MYO18B):c.3791T>G (p.Met1264Arg)

Gene: MYO18B (myosin XVIIIB; plus strand). Cytogenetic location: 22q12.1.
Variant type: single nucleotide variant.
Coding change: c.3791T>G on transcript NM_032608.7 (MANE Select); coding-DNA position 3791, T replaced by G.
Protein change: p.Met1264Arg; replaces methionine 1264 with arginine.
Molecular consequence: missense variant.
Genome position (GRCh38, 1-based): chr22:25,851,485, T>G. VCF-style: chr22-25851485-T-G. GRCh37 (hg19) VCF-style: chr22-26247452-T-G.
Other names: c.3794T>G, p.Met1265Arg (NM_001318245.2); short protein forms M1264R, M1265R.
Identifiers: ClinVar variation 4711380 (VCV004711380.1).

ClinVar aggregate classification (germline): Uncertain significance (1 of 4 stars; one submission).

Submission:

Labcorp Genetics (formerly Invitae), Labcorp
Classification: Uncertain significance. Last evaluated: 2025-05-07. Review status: criteria provided, single submitter. Criteria: Invitae Variant Classification Sherloc (09022015). Collection method: clinical testing. Allele origin: germline.
Comment: This sequence change replaces methionine, which is neutral and non-polar, with arginine, which is basic and polar, at codon 1264 of the MYO18B protein (p.Met1264Arg). This variant is not present in population databases (gnomAD no frequency). This variant has not been reported in the literature in individuals affected with MYO18B-related conditions. An algorithm developed to predict the effect of missense changes on protein structure and function (PolyPhen-2) suggests that this variant is likely to be disruptive. In summary, the available evidence is currently insufficient to determine the role of this variant in disease. Therefore, it has been classified as a Variant of Uncertain Significance.